The following is an entry in ClinVar:

ClinVar aggregate classification (germline): Pathogenic (1 of 4 stars; one submission).

Conditions:
Donnai-Barrow syndrome. Also called: DBS/FOAR SYNDROME; FACIOOCULOACOUSTICORENAL SYNDROME. Identifiers: Orphanet 2143, MedGen C1857277, MONDO:0009104, OMIM 222448.

Submission:

Myriad Genetics, Inc.
Classification: Pathogenic for Donnai-Barrow syndrome. Last evaluated: 2026-08-25. Review status: criteria provided, single submitter. Criteria: Myriad Autosomal Dominant, Autosomal Recessive and X-Linked Classification Criteria (2023). Collection method: clinical testing. Allele origin: unknown.
Comment: NM_004525.2(LRP2):c.9519delC(Y3174Tfs*36) is expected to be pathogenic in the context of Donnai-Barrow syndrome. This variant is predicted to lead to an abnormal or absent protein product due to the creation of a premature termination codon in LRP2, a gene where loss-of-function variants are known to be pathogenic. Please note: this variant was assessed in the context of healthy population screening.

NM_004525.3(LRP2):c.9519del (p.Tyr3174fs)

Gene: LRP2 (LDL receptor related protein 2; minus strand). Cytogenetic location: 2q31.1.
Variant type: Deletion.
Coding change: c.9519del on transcript NM_004525.3 (MANE Select); coding-DNA position 9519, one base deleted (C; older notation c.9519delC).
Protein change: p.Tyr3174fs; shifts the reading frame from tyrosine 3174.
Molecular consequence: frameshift variant.
Genome position (GRCh38, 1-based): chr2:169,185,829, G deleted on the plus strand (C on the coding strand, the reverse complement: LRP2 is on the minus strand); the first of 2 consecutive G bases (chr2:169,185,829-169,185,830); deleting either gives the same sequence. VCF-style (leftmost placement, unchanged base first): chr2-169185828-AG-A. GRCh37 (hg19) VCF-style: chr2-170042338-AG-A.
Other names: short protein forms Y3174fs.
Identifiers: ClinVar variation 5016277 (VCV005016277.1).